The following is an entry in ClinVar:

ClinVar aggregate classification (germline): Pathogenic/Likely pathogenic. Review status: criteria provided, multiple submitters, no conflicts (2 of 4 stars). 6 submissions from 6 submitters: Pathogenic (2); Likely pathogenic (3). 1 of the submissions does not count toward it. Last evaluated 2025-10-18.

Conditions:
ABCC2-related disorder. Also called: ABCC2-related condition.
Dubin-Johnson syndrome (DJS). Also called: Hyperbilirubinemia type 2; HYPERBILIRUBINEMIA, DUBIN-JOHNSON TYPE; Jaundice, Chronic Idiopathic. Identifiers: Orphanet 234, MedGen C0022350, MONDO:0009380, OMIM 237500.

Allele frequency attached by ClinVar (database versions not stated): gnomAD 0.00007 and 0.00009; gnomAD exomes 0.00009 and 0.00008; ExAC 0.00010; TOPMed 0.00006.

Submissions (6):

Labcorp Genetics (formerly Invitae), Labcorp
Classification: Pathogenic. Last evaluated: 2025-10-18. Review status: criteria provided, single submitter. Criteria: Invitae Variant Classification Sherloc (09022015). Collection method: clinical testing. Allele origin: germline.
Comment: This sequence change replaces arginine, which is basic and polar, with histidine, which is basic and polar, at codon 1150 of the ABCC2 protein (p.Arg1150His). This variant is present in population databases (rs72558200, gnomAD 0.01%). This missense change has been observed in individual(s) with Dubin-Johnson syndrome (PMID: 11477083). In at least one individual the data is consistent with being in trans (on the opposite chromosome) from a pathogenic variant. It has also been observed to segregate with disease in related individuals. ClinVar contains an entry for this variant (Variation ID: 8419). Invitae Evidence Modeling of protein sequence and biophysical properties (such as structural, functional, and spatial information, amino acid conservation, physicochemical variation, residue mobility, and thermodynamic stability) indicates that this missense variant is not expected to disrupt ABCC2 protein function with a negative predictive value of 80%. Experimental studies have shown that this missense change affects ABCC2 function (PMID: 11477083). For these reasons, this variant has been classified as Pathogenic.

First Genomix Gene Laboratory, Genetic Diagnostics Department
Classification: Likely pathogenic for Dubin-Johnson syndrome. Last evaluated: 2025-09-24. Review status: criteria provided, single submitter. Criteria: ACMG Guidelines, 2015. Collection method: clinical testing. Allele origin: germline. Inheritance: Autosomal recessive inheritance. Affected: no. Observed: 1 variant allele.

Fulgent Genetics
Classification: Likely pathogenic for Dubin-Johnson syndrome. Last evaluated: 2024-05-01. Review status: criteria provided, single submitter. Criteria: ACMG Guidelines, 2015. Collection method: clinical testing. Allele origin: germline.

PreventionGenetics, part of Exact Sciences
Classification: Pathogenic for ABCC2-related condition. Last evaluated: 2023-07-30. Review status: criteria provided, single submitter. Criteria: ACMG Guidelines, 2015. Collection method: clinical testing. Allele origin: germline.
Comment: The ABCC2 c.3449G>A variant is predicted to result in the amino acid substitution p.Arg1150His. This variant has been reported in the compound heterozygous state in two sibling with Dubin-Johnson syndrome, and also in the homozygous state in 5 individuals from 4 families with Dubin-Johnson syndrome (Mor-Cohen et al. 2001. PubMed ID: 11477083). In vitro functional studies suggest that this variant impairs the transport activity of ABCC2 (Mor-Cohen et al. 2001. PubMed ID: 11477083). This variant is interpreted as pathogenic.

Revvity Omics, Revvity
Classification: Likely pathogenic for Dubin-Johnson syndrome. Last evaluated: 2020-07-22. Review status: criteria provided, single submitter. Criteria: ACMG Guidelines, 2015. Collection method: clinical testing. Allele origin: germline.

OMIM
Classification: Pathogenic for DUBIN-JOHNSON SYNDROME. Last evaluated: 2001-10-05. Review status: no assertion criteria provided. Collection method: literature only. Allele origin: germline. Not counted in ClinVar's aggregate classification.

Literature cited by the submitters: PubMed 11477083 (cited by Labcorp Genetics (formerly Invitae), Labcorp and OMIM).

NM_000392.5(ABCC2):c.3449G>A (p.Arg1150His)

Gene: ABCC2 (ATP binding cassette subfamily C member 2; plus strand). Cytogenetic location: 10q24.2.
Variant type: single nucleotide variant.
Coding change: c.3449G>A on transcript NM_000392.5 (MANE Select); coding-DNA position 3449, G replaced by A.
Protein change: p.Arg1150His; replaces arginine 1150 with histidine.
Molecular consequence: missense variant.
Genome position (GRCh38, 1-based): chr10:99,836,125, G>A. VCF-style: chr10-99836125-G-A. GRCh37 (hg19) VCF-style: chr10-101595882-G-A.
Other names: c.3449G>A (NM_000392.4); c.3449G>A, p.Arg1150His (LRG_1208t1); short protein forms R1150H.
Identifiers: ClinVar variation 8419 (VCV000008419.11), dbSNP rs72558200, ClinGen allele CA119604.
Genomic context (GRCh38, chr10:99,836,125, plus strand): 5'-GCTGATTCTTTACTTTTTGTGTCCAGATGTTTTATGTGTCTACCTCCCGCCAGCTGAGGC[G>A]TCTGGACTCTGTCACCAGGTCCCCAATCTACTCTCACTTCAGCGAGACCGTATCAGGTTT-3'
Protein context (NP_000383.2, residues 1140-1160): FYVSTSRQLR[Arg1150His]LDSVTRSPIY